The following is an entry in ClinVar:

ClinVar aggregate classification (germline): Conflicting classifications of pathogenicity. Review status: criteria provided, conflicting classifications (1 of 4 stars). 2 submissions from 2 submitters: Uncertain significance (1); Likely benign (1). Last evaluated 2026-05-21.
ClinVar aggregate classification (oncogenicity): Uncertain significance (1 of 4 stars; one submission).

Conditions:
POLD1-related polyposis and colorectal cancer syndrome (CRCS10). Also called: Colorectal cancer 10; COLORECTAL CANCER, SUSCEPTIBILITY TO, ON CHROMOSOME 19q; Colorectal cancer, susceptibility to, 10. Identifiers: Orphanet 220460, MedGen C2675481, MONDO:0012953, OMIM 612591.
Hereditary cancer-predisposing syndrome. Also called: Tumor predisposition; Neoplastic Syndromes, Hereditary; Hereditary Cancer Syndrome; Hereditary neoplastic syndrome. Identifiers: Orphanet 140162, MedGen C0027672, MeSH D009386, MONDO:0015356.
Neoplasm. Also called: tumor; Neoplasms; Neoplasm (disease). Identifiers: MedGen C0027651, MeSH D009369, MONDO:0005070, HP:0002664.

Submissions (3):

Ambry Genetics
Classification: Likely benign for Hereditary cancer-predisposing syndrome. Last evaluated: 2026-05-21. Review status: criteria provided, single submitter. Criteria: Ambry Variant Classification Scheme 2023. Collection method: clinical testing. Allele origin: germline.

Center for Genomic Medicine, Rigshospitalet, Copenhagen University Hospital
Classification: Uncertain significance for Neoplasm. Last evaluated: 2025-03-04. Review status: criteria provided, single submitter. Criteria: ClinGen/CGC/VICC Guidelines for Oncogenicity, 2022. Collection method: clinical testing. Allele origin: somatic. Affected: yes.

Labcorp Genetics (formerly Invitae), Labcorp
Classification: Uncertain significance for POLD1-related polyposis and colorectal cancer syndrome. Last evaluated: 2023-10-11. Review status: criteria provided, single submitter. Criteria: Invitae Variant Classification Sherloc (09022015). Collection method: clinical testing. Allele origin: germline.
Comment: This sequence change replaces glycine, which is neutral and non-polar, with valine, which is neutral and non-polar, at codon 10 of the POLD1 protein (p.Gly10Val). This variant is not present in population databases (gnomAD no frequency). This variant has not been reported in the literature in individuals affected with POLD1-related conditions. ClinVar contains an entry for this variant (Variation ID: 2059467). Experimental studies and prediction algorithms are not available or were not evaluated, and the functional significance of this variant is currently unknown. In summary, the available evidence is currently insufficient to determine the role of this variant in disease. Therefore, it has been classified as a Variant of Uncertain Significance.

NM_002691.4(POLD1):c.29G>T (p.Gly10Val)

Gene: POLD1 (DNA polymerase delta 1, catalytic subunit; plus strand). Cytogenetic location: 19q13.33.
Variant type: single nucleotide variant.
Coding change: c.29G>T on transcript NM_002691.4 (MANE Select); coding-DNA position 29, G replaced by T.
Protein change: p.Gly10Val; replaces glycine 10 with valine.
Molecular consequence: missense variant. On other transcripts: non-coding transcript variant (1).
Genome position (GRCh38, 1-based): chr19:50,398,880, G>T. VCF-style: chr19-50398880-G-T. GRCh37 (hg19) VCF-style: chr19-50902137-G-T.
Other names: c.29G>T, p.Gly10Val (NM_001256849.1, NM_001308632.1); c.29G>T (NM_002691.2); short protein forms G10V.
Identifiers: ClinVar variation 2059467 (VCV002059467.7), dbSNP rs2513932084, ClinGen allele CA406970007.